The following is an entry in ClinVar:

NM_001009944.3(PKD1):c.1585del (p.Val529fs)

Gene: PKD1 (polycystin 1, transient receptor potential channel interacting; minus strand). Cytogenetic location: 16p13.3.
Variant type: Deletion.
Coding change: c.1585del on transcript NM_001009944.3 (MANE Select); coding-DNA position 1585, one base deleted (G; older notation c.1585delG).
Protein change: p.Val529fs; shifts the reading frame from valine 529.
Molecular consequence: frameshift variant.
Genome position (GRCh38, 1-based): chr16:2,116,854, C deleted on the plus strand (G on the coding strand, the reverse complement: PKD1 is on the minus strand). VCF-style (leftmost placement, unchanged base first): chr16-2116853-AC-A. GRCh37 (hg19) VCF-style: chr16-2166854-AC-A.
Other names: c.1585del, p.Val529fs (NM_000296.4); short protein forms V529fs.
Identifiers: ClinVar variation 4850028 (VCV004850028.1).
Genomic context (GRCh38, chr16:2,116,853, plus strand): 5'-ACAGCCAGCGTCTCAGGCCCCTGCCTGGCCCCCCGCACACCTCCGGGCTGCAGCTCGCAG[AC>A]GTAGCTGTGCGGCGCTGAGCACAGGTCGGTGTTACACCACCCGGTGGGCCCGAGCCGGAC-3'

ClinVar aggregate classification (germline): Likely pathogenic (1 of 4 stars; one submission).

Conditions:
Polycystic kidney disease, adult type (PKD1). Also called: POLYCYSTIC KIDNEY DISEASE, ADULT, TYPE I; Polycystic Kidney Disease 1, Autosomal Dominant; Polycystic kidney disease 1; Polycystic kidney disease 1, severe; POLYCYSTIC KIDNEY DISEASE 1 WITH OR WITHOUT POLYCYSTIC LIVER DISEASE; Polycystic Kidney, Autosomal Dominant. Identifiers: MedGen C3149841, MONDO:0008263, OMIM 173900.

Submission:

Variantyx, Inc.
Classification: Likely pathogenic for Polycystic kidney disease, adult type. Last evaluated: 2025-11-06. Review status: criteria provided, single submitter. Criteria: Variantyx Assertion Criteria 2022. Collection method: clinical testing. Allele origin: germline. Inheritance: Autosomal dominant inheritance. Affected: yes.
Comment: This is a frameshift variant in the PKD1 gene (OMIM: 601313). Pathogenic variants in this gene have been associated with autosomal dominant polycystic kidney disease 1. This variant introduces a premature termination codon in exon 7 out of 46 and is expected to result in loss of function, which is a known disease mechanism for PKD1 in this disorder (PMID: 29529603, 24694054, 25491204) (PVS1). This variant is absent from control populations (PM2). Based on the current evidence, this variant is classified as likely pathogenic for autosomal dominant polycystic kidney disease 1.

Literature cited by the submitters: PubMed 29529603; PubMed 24694054; PubMed 25491204.